The following is an entry in ClinVar:

ClinVar aggregate classification (germline): Uncertain significance (1 of 4 stars; one submission).

Conditions:
Joubert syndrome 15 (JBTS15). Identifiers: Orphanet 475, MedGen C3280897, MONDO:0013763, OMIM 614464.

Submission:

Labcorp Genetics (formerly Invitae), Labcorp
Classification: Uncertain significance for Joubert syndrome 15. Last evaluated: 2020-05-20. Review status: criteria provided, single submitter. Criteria: Invitae Variant Classification Sherloc (09022015). Collection method: clinical testing. Allele origin: germline.
Comment: This sequence change replaces methionine with isoleucine at codon 14 of the CEP41 protein (p.Met14Ile). The methionine residue is weakly conserved and there is a small physicochemical difference between methionine and isoleucine. This variant is not present in population databases (ExAC no frequency). This variant has not been reported in the literature in individuals with CEP41-related conditions. Algorithms developed to predict the effect of missense changes on protein structure and function (SIFT, PolyPhen-2, Align-GVGD) all suggest that this variant is likely to be tolerated, but these predictions have not been confirmed by published functional studies and their clinical significance is uncertain. In summary, the available evidence is currently insufficient to determine the role of this variant in disease. Therefore, it has been classified as a Variant of Uncertain Significance.

NM_018718.3(CEP41):c.42G>T (p.Met14Ile)

Gene: CEP41 (centrosomal protein 41; minus strand). Cytogenetic location: 7q32.2.
Variant type: single nucleotide variant.
Coding change: c.42G>T on transcript NM_018718.3 (MANE Select); coding-DNA position 42, G replaced by T.
Protein change: p.Met14Ile; replaces methionine 14 with isoleucine.
Molecular consequence: missense variant. On other transcripts: non-coding transcript variant (1).
Genome position (GRCh38, 1-based): chr7:130,428,010, C>A on the plus strand (G>T on the coding strand, the complement: CEP41 is on the minus strand). VCF-style: chr7-130428010-C-A. GRCh37 (hg19) VCF-style: chr7-130067851-C-A.
Other names: c.42G>T, p.Met14Ile (NM_001257158.2, NM_001257159.2, NM_001257160.2); short protein forms M14I.
Identifiers: ClinVar variation 1007100 (VCV001007100.8), dbSNP rs1797714880, ClinGen allele CA369287474.